The following is an entry in ClinVar:

NM_025081.3(NYNRIN):c.4945T>C (p.Phe1649Leu)

Gene: NYNRIN (NYN domain and retroviral integrase containing; plus strand). Cytogenetic location: 14q12.
Variant type: single nucleotide variant.
Coding change: c.4945T>C on transcript NM_025081.3 (MANE Select); coding-DNA position 4945, T replaced by C.
Protein change: p.Phe1649Leu; replaces phenylalanine 1649 with leucine.
Molecular consequence: missense variant.
Genome position (GRCh38, 1-based): chr14:24,416,694, T>C. VCF-style: chr14-24416694-T-C. GRCh37 (hg19) VCF-style: chr14-24885900-T-C.
Other names: c.4945T>C (NM_025081.2); short protein forms F1649L.
Identifiers: ClinVar variation 3710073 (VCV003710073.3).

ClinVar aggregate classification (germline): Uncertain significance. Review status: criteria provided, multiple submitters, no conflicts (2 of 4 stars). 2 submissions from 2 submitters: Uncertain significance (2). Last evaluated 2025-12-09.

gnomAD v4.1: 241 of 1,613,856 alleles (0.015%); highest among the groups gnomAD compares: Non-Finnish European, 0.019%; no homozygotes.

Submissions (2):

Ambry Genetics
Classification: Uncertain significance. Last evaluated: 2025-12-09. Review status: criteria provided, single submitter. Criteria: Ambry Variant Classification Scheme 2023. Collection method: clinical testing. Allele origin: germline.

Labcorp Genetics (formerly Invitae), Labcorp
Classification: Uncertain significance. Last evaluated: 2025-04-30. Review status: criteria provided, single submitter. Criteria: Invitae Variant Classification Sherloc (09022015). Collection method: clinical testing. Allele origin: germline.
Comment: This sequence change replaces phenylalanine, which is neutral and non-polar, with leucine, which is neutral and non-polar, at codon 1649 of the NYNRIN protein (p.Phe1649Leu). This variant is present in population databases (rs368787980, gnomAD 0.01%). This variant has not been reported in the literature in individuals affected with NYNRIN-related conditions. ClinVar contains an entry for this variant (Variation ID: 3710073). Experimental studies and prediction algorithms are not available or were not evaluated, and the functional significance of this variant is currently unknown. In summary, the available evidence is currently insufficient to determine the role of this variant in disease. Therefore, it has been classified as a Variant of Uncertain Significance.